The following is an entry in ClinVar:

NM_001365999.1(SZT2):c.3006C>G (p.Cys1002Trp)

Gene: SZT2 (SZT2 subunit of KICSTOR complex; plus strand). Cytogenetic location: 1p34.2.
Variant type: single nucleotide variant.
Coding change: c.3006C>G on transcript NM_001365999.1 (MANE Select); coding-DNA position 3006, C replaced by G.
Protein change: p.Cys1002Trp; replaces cysteine 1002 with tryptophan.
Molecular consequence: missense variant.
Genome position (GRCh38, 1-based): chr1:43,426,114, C>G. VCF-style: chr1-43426114-C-G. GRCh37 (hg19) VCF-style: chr1-43891785-C-G.
Other names: c.3006C>G, p.Cys1002Trp (NM_015284.4); short protein forms C1002W.
Identifiers: ClinVar variation 3603196 (VCV003603196.1).
Genomic context (GRCh38, chr1:43,426,114, plus strand): 5'-AGACACCTGCGTCCATGAGATCCCTTTCCATTTTGACCTAATGGGATTGCTGCCACAGTG[C>G]CAGCAGCTCCAGATGTTCTTCCTCTTGCTTGCCAGAGGTAGGTGAACCTGGTACCCTTTC-3'
Protein context (NP_001352928.1, residues 992-1012): HFDLMGLLPQ[Cys1002Trp]QQLQMFFLLL

ClinVar aggregate classification (germline): Uncertain significance (1 of 4 stars; one submission).

Submission:

GeneDx
Classification: Uncertain significance. Last evaluated: 2024-08-07. Review status: criteria provided, single submitter. Criteria: GeneDx Variant Classification Process June 2021. Collection method: clinical testing. Allele origin: germline. Affected: yes.
Comment: Not observed at significant frequency in large population cohorts (gnomAD); In silico analysis supports that this missense variant has a deleterious effect on protein structure/function; Has not been previously published as pathogenic or benign to our knowledge